The following is an entry in ClinVar:

ClinVar aggregate classification (germline): Likely pathogenic (1 of 4 stars; one submission).

Allele frequency attached by ClinVar (database versions not stated): ExAC 0.00001.

Submission:

Labcorp Genetics (formerly Invitae), Labcorp
Classification: Likely pathogenic. Last evaluated: 2022-07-21. Review status: criteria provided, single submitter. Criteria: Invitae Variant Classification Sherloc (09022015). Collection method: clinical testing. Allele origin: germline.
Comment: This sequence change affects a donor splice site in intron 4 of the TYMP gene. It is expected to disrupt RNA splicing. Variants that disrupt the donor or acceptor splice site typically lead to a loss of protein function (PMID: 16199547), and loss-of-function variants in TYMP are known to be pathogenic (PMID: 9924029, 15781193). In summary, the currently available evidence indicates that the variant is pathogenic, but additional data are needed to prove that conclusively. Therefore, this variant has been classified as Likely Pathogenic. Studies have shown that disruption of this splice site is associated with altered splicing resulting in in-frame exon 4 skipping (PMID: 9924029). Disruption of this splice site has been observed in individual(s) with mitochondrial neurogastrointestinal encephalomyopathy (PMID: 9924029). This variant is present in population databases (rs778803158, gnomAD 0.006%).

Literature cited by the submitters: PubMed 16199547; PubMed 9924029; PubMed 15781193.

NM_001953.5(TYMP):c.516+1G>T

Gene: TYMP (thymidine phosphorylase; minus strand). Cytogenetic location: 22q13.33.
Variant type: single nucleotide variant.
Coding change: c.516+1G>T on transcript NM_001953.5 (MANE Select); the canonical splice donor site of the intron after coding-DNA position 516, G replaced by T.
Molecular consequence: splice donor variant.
Genome position (GRCh38, 1-based): chr22:50,528,511, C>A on the plus strand (G>T on the coding strand, the complement: TYMP is on the minus strand). VCF-style: chr22-50528511-C-A. GRCh37 (hg19) VCF-style: chr22-50966940-C-A.
Other names: c.516+1G>T (NM_001257989.1, NM_001257988.1, NM_001113755.3 and 1 more transcripts).
Identifiers: ClinVar variation 2018357 (VCV002018357.4), dbSNP rs778803158, ClinGen allele CA10321744.